The following is an entry in ClinVar:

ClinVar aggregate classification (germline): Uncertain significance. Review status: criteria provided, multiple submitters, no conflicts (2 of 4 stars). 2 submissions from 2 submitters: Uncertain significance (2). Last evaluated 2025-01-28.

Conditions:
Inborn genetic diseases. Identifiers: MedGen C0950123, MeSH D030342.
Ullrich congenital muscular dystrophy 2 (UCMD2). Identifiers: Orphanet 75840, MedGen C4225314, MONDO:0014654, OMIM 616470.
Bethlem myopathy 2 (BTHLM2). Identifiers: Orphanet 536516, Orphanet 610, MedGen C4225313, MONDO:0034022, OMIM 616471.

Allele frequency attached by ClinVar (database versions not stated): TOPMed below 0.00001.

Submissions (2):

Labcorp Genetics (formerly Invitae), Labcorp
Classification: Uncertain significance for Bethlem myopathy 2; Ullrich congenital muscular dystrophy 2. Last evaluated: 2025-01-28. Review status: criteria provided, single submitter. Criteria: Invitae Variant Classification Sherloc (09022015). Collection method: clinical testing. Allele origin: germline.
Comment: This sequence change replaces valine, which is neutral and non-polar, with methionine, which is neutral and non-polar, at codon 435 of the COL12A1 protein (p.Val435Met). This variant is not present in population databases (gnomAD no frequency). This variant has not been reported in the literature in individuals affected with COL12A1-related conditions. ClinVar contains an entry for this variant (Variation ID: 1373637). Invitae Evidence Modeling of protein sequence and biophysical properties (such as structural, functional, and spatial information, amino acid conservation, physicochemical variation, residue mobility, and thermodynamic stability) has been performed for this missense variant. However, the output from this modeling did not meet the statistical confidence thresholds required to predict the impact of this variant on COL12A1 protein function. In summary, the available evidence is currently insufficient to determine the role of this variant in disease. Therefore, it has been classified as a Variant of Uncertain Significance.

Ambry Genetics
Classification: Uncertain significance for Inborn genetic diseases. Last evaluated: 2021-08-23. Review status: criteria provided, single submitter. Criteria: Ambry Variant Classification Scheme 2023. Collection method: clinical testing. Allele origin: germline.

NM_004370.6(COL12A1):c.1303G>A (p.Val435Met)

Gene: COL12A1 (collagen type XII alpha 1 chain; minus strand). Cytogenetic location: 6q13.
Variant type: single nucleotide variant.
Coding change: c.1303G>A on transcript NM_004370.6 (MANE Select); coding-DNA position 1303, G replaced by A.
Protein change: p.Val435Met; replaces valine 435 with methionine.
Molecular consequence: missense variant. On other transcripts: intron variant (1).
Genome position (GRCh38, 1-based): chr6:75,183,638, C>T on the plus strand (G>A on the coding strand, the complement: COL12A1 is on the minus strand). VCF-style: chr6-75183638-C-T. GRCh37 (hg19) VCF-style: chr6-75893354-C-T.
Other names: c.73+19082G>A (NM_080645.3); c.1303G>A (NM_004370.5); short protein forms V435M.
Identifiers: ClinVar variation 1373637 (VCV001373637.9), dbSNP rs1769449076, ClinGen allele CA364771826.